The following is an entry in ClinVar:

ClinVar aggregate classification (germline): Uncertain significance (1 of 4 stars; one submission).

Allele frequency attached by ClinVar (database versions not stated): gnomAD exomes below 0.00001.
gnomAD v4.1: 1 of 1,614,172 alleles (0.000062%); highest among the groups gnomAD compares: Non-Finnish European, 0.000085%; no homozygotes.

Submission:

Labcorp Genetics (formerly Invitae), Labcorp
Classification: Uncertain significance. Last evaluated: 2023-09-14. Review status: criteria provided, single submitter. Criteria: Invitae Variant Classification Sherloc (09022015). Collection method: clinical testing. Allele origin: germline.
Comment: This variant is not present in population databases (gnomAD no frequency). This sequence change replaces leucine, which is neutral and non-polar, with phenylalanine, which is neutral and non-polar, at codon 225 of the PUS3 protein (p.Leu225Phe). This variant has not been reported in the literature in individuals affected with PUS3-related conditions. In summary, the available evidence is currently insufficient to determine the role of this variant in disease. Therefore, it has been classified as a Variant of Uncertain Significance. Advanced modeling of protein sequence and biophysical properties (such as structural, functional, and spatial information, amino acid conservation, physicochemical variation, residue mobility, and thermodynamic stability) performed at Invitae indicates that this missense variant is not expected to disrupt PUS3 protein function.

NM_031307.4(PUS3):c.675G>C (p.Leu225Phe)

Genes: HYLS1 (HYLS1 centriolar and ciliogenesis associated; plus strand), PUS3 (pseudouridine synthase 3; minus strand). Cytogenetic location: 11q24.2.
Variant type: single nucleotide variant.
Coding change: c.675G>C on transcript NM_031307.4 (MANE Select); coding-DNA position 675, G replaced by C.
Protein change: p.Leu225Phe; replaces leucine 225 with phenylalanine.
Molecular consequence: missense variant. On other transcripts: intron variant (5).
Genome position (GRCh38, 1-based): chr11:125,895,493, C>G on the plus strand (G>C on the coding strand, the complement: PUS3 is on the minus strand). VCF-style: chr11-125895493-C-G. GRCh37 (hg19) VCF-style: chr11-125765388-C-G.
Other names: c.51G>C, p.Leu17Phe (NM_001271985.2); c.-80-3611C>G (NM_145014.3); c.-25-3851C>G (NM_001134793.2, NM_001377269.1); c.-22-3854C>G (NM_001424364.1, NM_001377270.1); short protein forms L17F, L225F.
Identifiers: ClinVar variation 2760719 (VCV002760719.3), dbSNP rs1944554955, ClinGen allele CA383198606.
Genomic context (GRCh38, chr11:125,895,493, plus strand): 5'-TTGAGCAGATAGAATAGTCCTCTGAAAATTAATCACACCGTTGGCTACATCCATTTTACA[C>G]AAGTTCCTGAAATCATGGGTGCCAACATACTTCTGAGCTGCATAATCCATGGTTACAATA-3'
Protein context (NP_112597.4, residues 215-235): KYVGTHDFRN[Leu225Phe]CKMDVANGVI